The following is an entry in ClinVar:

NM_001854.4(COL11A1):c.3817-17_3817-16insC

Gene: COL11A1 (collagen type XI alpha 1 chain; minus strand). Cytogenetic location: 1p21.1.
Variant type: Insertion.
Coding change: c.3817-17_3817-16insC on transcript NM_001854.4 (MANE Select); 17 bases into the intron before coding-DNA position 3817 through 16 bases into the intron before coding-DNA position 3817, C inserted.
Molecular consequence: intron variant.
Genome position: GRCh38 VCF-style: chr1-102914827-A-AG. GRCh37 (hg19) VCF-style: chr1-103380383-A-AG.
Other names: c.3700-17_3700-16insC (NM_001190709.2); c.3853-17_3853-16insC (NM_080629.3); c.3469-17_3469-16insC (NM_080630.4).
Identifiers: ClinVar variation 516546 (VCV000516546.10), dbSNP rs773173330, ClinGen allele CA973813.

ClinVar aggregate classification (germline): Benign/Likely benign. Review status: criteria provided, multiple submitters, no conflicts (2 of 4 stars). 3 submissions from 3 submitters: Benign (2); Likely benign (1). Last evaluated 2025-12-19.

Allele frequency attached by ClinVar (database versions not stated): TOPMed 0.00012; 1000 Genomes Project 30x 0.00047; ESP Exome Variant Server 0.00064; gnomAD exomes 0.00122 and 0.00336; gnomAD 0.00285 and 0.00300; ExAC 0.00305.

Submissions (3):

Labcorp Genetics (formerly Invitae), Labcorp
Classification: Benign. Last evaluated: 2025-12-19. Review status: criteria provided, single submitter. Criteria: Invitae Variant Classification Sherloc (09022015). Collection method: clinical testing. Allele origin: germline.

Blueprint Genetics
Classification: Likely benign. Last evaluated: 2024-11-21. Review status: criteria provided, single submitter. Criteria: ACMG Guidelines, 2015. Collection method: clinical testing. Allele origin: germline.

GeneDx
Classification: Benign. Last evaluated: 2018-03-13. Review status: criteria provided, single submitter. Criteria: GeneDx Variant Classification (06012015). Collection method: clinical testing. Allele origin: germline. Affected: yes.
Comment: This variant is considered likely benign or benign based on one or more of the following criteria: it is a conservative change, it occurs at a poorly conserved position in the protein, it is predicted to be benign by multiple in silico algorithms, and/or has population frequency not consistent with disease.